The following is an entry in ClinVar:

NM_001379200.1(TBX1):c.1255C>T (p.Pro419Ser)

Gene: TBX1 (T-box transcription factor 1; plus strand). Cytogenetic location: 22q11.21.
Variant type: single nucleotide variant.
Coding change: c.1255C>T on transcript NM_001379200.1 (MANE Select); coding-DNA position 1255, C replaced by T.
Protein change: p.Pro419Ser; replaces proline 419 with serine.
Molecular consequence: missense variant. On other transcripts: intron variant (2).
Genome position (GRCh38, 1-based): chr22:19,766,607, C>T. VCF-style: chr22-19766607-C-T. GRCh37 (hg19) VCF-style: chr22-19754130-C-T.
Other names: c.1228C>T, p.Pro410Ser (NM_080647.1); c.1009+605C>T (NM_005992.1, NM_080646.2); short protein forms P419S, P410S.
Identifiers: ClinVar variation 4749658 (VCV004749658.1).

ClinVar aggregate classification (germline): Uncertain significance (1 of 4 stars; one submission).

Conditions:
DiGeorge syndrome. Also called: THIRD AND FOURTH PHARYNGEAL POUCH SYNDROME; Catch22. Identifiers: Orphanet 567, MedGen C0012236, MONDO:0008564, OMIM 188400.

Submission:

Labcorp Genetics (formerly Invitae), Labcorp
Classification: Uncertain significance for DiGeorge syndrome. Last evaluated: 2025-10-16. Review status: criteria provided, single submitter. Criteria: Invitae Variant Classification Sherloc (09022015). Collection method: clinical testing. Allele origin: germline.
Comment: This sequence change replaces proline, which is neutral and non-polar, with serine, which is neutral and polar, at codon 410 of the TBX1 protein (p.Pro410Ser). This variant is not present in population databases (gnomAD no frequency). This variant has not been reported in the literature in individuals affected with TBX1-related conditions. An algorithm developed to predict the effect of missense changes on protein structure and function (PolyPhen-2) suggests that this variant is likely to be tolerated. In summary, the available evidence is currently insufficient to determine the role of this variant in disease. Therefore, it has been classified as a Variant of Uncertain Significance.